The following is an entry in ClinVar:

NM_017534.6(MYH2):c.3353A>C (p.Gln1118Pro)

Genes: MYH2 (myosin heavy chain 2; minus strand), MYHAS (myosin heavy chain gene cluster antisense RNA; plus strand). Cytogenetic location: 17p13.1.
Variant type: single nucleotide variant.
Coding change: c.3353A>C on transcript NM_017534.6 (MANE Select); coding-DNA position 3353, A replaced by C.
Protein change: p.Gln1118Pro; replaces glutamine 1118 with proline.
Molecular consequence: missense variant.
Genome position (GRCh38, 1-based): chr17:10,529,163, T>G on the plus strand (A>C on the coding strand, the complement: MYH2 is on the minus strand). VCF-style: chr17-10529163-T-G. GRCh37 (hg19) VCF-style: chr17-10432480-T-G.
Other names: c.3353A>C, p.Gln1118Pro (NM_001100112.2); short protein forms Q1118P.
Identifiers: ClinVar variation 534348 (VCV000534348.9), dbSNP rs575266045, ClinGen allele CA287738810.
Genomic context (GRCh38, chr17:10,529,163, plus strand): 5'-CTCAGCTTCTTTGTGTCATAACTGCCTCCGAGCCAGACTGATGAAAATCATGTACTTACT[T>G]GCAATTCTTTAATTTTCTTCTGCAATTGAATGCCAAGTGCCTGTTCATCTTCAATCTTGC-3'
Protein context (NP_060004.3, residues 1108-1128): IQLQKKIKEL[Gln1118Pro]ARIEELEEEI

ClinVar aggregate classification (germline): Uncertain significance. Review status: criteria provided, multiple submitters, no conflicts (2 of 4 stars). 3 submissions from 3 submitters: Uncertain significance (3). Last evaluated 2024-10-18.

Conditions:
Inborn genetic diseases. Identifiers: MedGen C0950123, MeSH D030342.
Myopathy, proximal, and ophthalmoplegia (CMYO6). Also called: MYOPATHY WITH CONGENITAL JOINT CONTRACTURES, OPHTHALMOPLEGIA, AND RIMMED VACUOLES; INCLUSION BODY MYOPATHY 3, AUTOSOMAL DOMINANT; CONGENITAL MYOPATHY 6 WITH OPHTHALMOPLEGIA. Identifiers: Orphanet 363677, Orphanet 79091, MedGen C1854106, MONDO:0011577, OMIM 605637.

Allele frequency attached by ClinVar (database versions not stated): 1000 Genomes Project below 0.00001.

Submissions (3):

Revvity Omics, Revvity
Classification: Uncertain significance for Myopathy, proximal, and ophthalmoplegia. Last evaluated: 2024-10-18. Review status: criteria provided, single submitter. Criteria: ACMG Guidelines, 2015. Collection method: clinical testing. Allele origin: germline.

Ambry Genetics
Classification: Uncertain significance for Inborn genetic diseases. Last evaluated: 2023-07-14. Review status: criteria provided, single submitter. Criteria: Ambry Variant Classification Scheme 2023. Collection method: clinical testing. Allele origin: germline.

Labcorp Genetics (formerly Invitae), Labcorp
Classification: Uncertain significance for Myopathy, proximal, and ophthalmoplegia. Last evaluated: 2022-11-15. Review status: criteria provided, single submitter. Criteria: Invitae Variant Classification Sherloc (09022015). Collection method: clinical testing. Allele origin: germline.
Comment: This variant is not present in population databases (gnomAD no frequency). This sequence change replaces glutamine, which is neutral and polar, with proline, which is neutral and non-polar, at codon 1118 of the MYH2 protein (p.Gln1118Pro). This variant has not been reported in the literature in individuals affected with MYH2-related conditions. In summary, the available evidence is currently insufficient to determine the role of this variant in disease. Therefore, it has been classified as a Variant of Uncertain Significance. Algorithms developed to predict the effect of missense changes on protein structure and function (SIFT, PolyPhen-2, Align-GVGD) all suggest that this variant is likely to be disruptive. ClinVar contains an entry for this variant (Variation ID: 534348).